The following is an entry in ClinVar:

NM_022829.6(SLC13A3):c.1519del (p.Leu507fs)

Gene: SLC13A3 (solute carrier family 13 member 3; minus strand). Cytogenetic location: 20q13.12.
Variant type: Deletion.
Coding change: c.1519del on transcript NM_022829.6 (MANE Select); coding-DNA position 1519, one base deleted (C; older notation c.1519delC).
Protein change: p.Leu507fs; shifts the reading frame from leucine 507.
Molecular consequence: frameshift variant.
Genome position (GRCh38, 1-based): chr20:46,563,527, G deleted on the plus strand (C on the coding strand, the reverse complement: SLC13A3 is on the minus strand); the first of 5 consecutive G bases (chr20:46,563,527-46,563,531); deleting any one gives the same sequence. VCF-style (leftmost placement, unchanged base first): chr20-46563526-AG-A. GRCh37 (hg19) VCF-style: chr20-45192165-AG-A.
Other names: c.1378del, p.Leu460fs (NM_001011554.3); c.1369del, p.Leu457fs (NM_001193339.2); c.1273del, p.Leu425fs (NM_001193340.2); c.1225del, p.Leu409fs (NM_001193342.2); short protein forms L425fs, L460fs, L409fs, L457fs, L507fs.
Identifiers: ClinVar variation 1521731 (VCV001521731.6), dbSNP rs1304724612, ClinGen allele CA636052615.

ClinVar aggregate classification (germline): Uncertain significance (1 of 4 stars; one submission).

Submission:

Labcorp Genetics (formerly Invitae), Labcorp
Classification: Uncertain significance. Last evaluated: 2024-10-26. Review status: criteria provided, single submitter. Criteria: Invitae Variant Classification Sherloc (09022015). Collection method: clinical testing. Allele origin: germline.
Comment: This sequence change creates a premature translational stop signal (p.Leu507Cysfs*3) in the SLC13A3 gene. It is expected to result in an absent or disrupted protein product. However, the current clinical and genetic evidence is not sufficient to establish whether loss-of-function variants in SLC13A3 cause disease. This variant is present in population databases (no rsID available, gnomAD 0.03%). This variant has not been reported in the literature in individuals affected with SLC13A3-related conditions. ClinVar contains an entry for this variant (Variation ID: 1521731). Experimental studies and prediction algorithms are not available or were not evaluated, and the functional significance of this variant is currently unknown. In summary, the available evidence is currently insufficient to determine the role of this variant in disease. Therefore, it has been classified as a Variant of Uncertain Significance.